The following is an entry in ClinVar:

NM_001197104.2(KMT2A):c.9094C>T (p.Pro3032Ser)

Gene: KMT2A (lysine methyltransferase 2A; plus strand). Cytogenetic location: 11q23.3.
Variant type: single nucleotide variant.
Coding change: c.9094C>T on transcript NM_001197104.2 (MANE Select); coding-DNA position 9094, C replaced by T.
Protein change: p.Pro3032Ser; replaces proline 3032 with serine.
Molecular consequence: missense variant.
Genome position (GRCh38, 1-based): chr11:118,504,986, C>T. VCF-style: chr11-118504986-C-T. GRCh37 (hg19) VCF-style: chr11-118375701-C-T.
Other names: c.9184C>T, p.Pro3062Ser (NM_001412597.1); c.9085C>T, p.Pro3029Ser (NM_005933.4); short protein forms P3032S, P3029S, P3062S.
Identifiers: ClinVar variation 2798002 (VCV002798002.4), dbSNP rs782432077, ClinGen allele CA6304552.

ClinVar aggregate classification (germline): Uncertain significance. Review status: criteria provided, multiple submitters, no conflicts (2 of 4 stars). 2 submissions from 2 submitters: Uncertain significance (2). Last evaluated 2025-04-15.

Conditions:
KMT2A-related disorder. Also called: KMT2A-related condition.

Allele frequency attached by ClinVar (database versions not stated): ExAC 0.00001; gnomAD 0.00001; TOPMed 0.00001.

Submissions (2):

PreventionGenetics, part of Exact Sciences
Classification: Uncertain significance for KMT2A-related condition. Last evaluated: 2025-04-15. Review status: criteria provided, single submitter. Criteria: ACMG Guidelines, 2015. Collection method: clinical testing. Allele origin: germline.
Comment: The KMT2A c.9094C>T variant is predicted to result in the amino acid substitution p.Pro3032Ser. To our knowledge, this variant has not been reported in the literature. This variant is reported in 0.0062% of alleles in individuals of African descent in gnomAD. At this time, the clinical significance of this variant is uncertain due to the absence of conclusive functional and genetic evidence.

Labcorp Genetics (formerly Invitae), Labcorp
Classification: Uncertain significance. Last evaluated: 2023-02-09. Review status: criteria provided, single submitter. Criteria: Invitae Variant Classification Sherloc (09022015). Collection method: clinical testing. Allele origin: germline.
Comment: In summary, the available evidence is currently insufficient to determine the role of this variant in disease. Therefore, it has been classified as a Variant of Uncertain Significance. Advanced modeling of protein sequence and biophysical properties (such as structural, functional, and spatial information, amino acid conservation, physicochemical variation, residue mobility, and thermodynamic stability) has been performed at Invitae for this missense variant, however the output from this modeling did not meet the statistical confidence thresholds required to predict the impact of this variant on KMT2A protein function. This sequence change replaces proline, which is neutral and non-polar, with serine, which is neutral and polar, at codon 3032 of the KMT2A protein (p.Pro3032Ser). This variant is present in population databases (rs782432077, gnomAD 0.007%). This variant has not been reported in the literature in individuals affected with KMT2A-related conditions.